The following is an entry in ClinVar:

ClinVar aggregate classification (germline): Uncertain significance (1 of 4 stars; one submission).

Conditions:
MYH8-related disorder. Also called: MYH8-related condition.

Allele frequency attached by ClinVar (database versions not stated): TOPMed below 0.00001; gnomAD exomes 0.00001; ExAC 0.00002.
gnomAD v4.1: 14 of 1,613,956 alleles (0.00087%); highest among the groups gnomAD compares: South Asian, 0.0022%; no homozygotes.

Submission:

PreventionGenetics, part of Exact Sciences
Classification: Uncertain significance for MYH8-related condition. Last evaluated: 2023-06-12. Review status: criteria provided, single submitter. Criteria: ACMG Guidelines, 2015. Collection method: clinical testing. Allele origin: germline.
Comment: The MYH8 c.1580T>C variant is predicted to result in the amino acid substitution p.Ile527Thr. To our knowledge, this variant has not been reported in the literature. This variant is reported in 0.0035% of alleles in individuals of European (Non-Finnish) descent in gnomAD. At this time, the clinical significance of this variant is uncertain due to the absence of conclusive functional and genetic evidence.

NM_002472.3(MYH8):c.1580T>C (p.Ile527Thr)

Genes: MYH8 (myosin heavy chain 8; minus strand), MYHAS (myosin heavy chain gene cluster antisense RNA; plus strand). Cytogenetic location: 17p13.1.
Variant type: single nucleotide variant.
Coding change: c.1580T>C on transcript NM_002472.3 (MANE Select); coding-DNA position 1580, T replaced by C.
Protein change: p.Ile527Thr; replaces isoleucine 527 with threonine.
Molecular consequence: missense variant.
Genome position (GRCh38, 1-based): chr17:10,410,784, A>G on the plus strand (T>C on the coding strand, the complement: MYH8 is on the minus strand). VCF-style: chr17-10410784-A-G. GRCh37 (hg19) VCF-style: chr17-10314101-A-G.
Other names: short protein forms I527T.
Identifiers: ClinVar variation 2635738 (VCV002635738.1), dbSNP rs769185512, ClinGen allele CA8388034.
Genomic context (GRCh38, chr17:10,410,784, plus strand): 5'-GATTTCTGGAAAGTGATCCTCACAGTCTGCCCTTCTTTGGAAACCAAACCGACCTTCTCA[A>G]TGAGCTCAATGCAGGCAGCCAGGTCCATCCCAAAGTCAATGAACGTCCACTCGATGCCTT-3'
Protein context (NP_002463.2, residues 517-537): GMDLAACIEL[Ile527Thr]EKPLGIFSIL